The following is an entry in ClinVar:

Conditions:
Long QT syndrome 5 (LQT5). Identifiers: Orphanet 101016, Orphanet 768, MedGen C1867904, MONDO:0013372, OMIM 613695.

Submission:

Roden Lab, Vanderbilt University Medical Center
No classification provided (evidence only). Condition: Long QT syndrome 5. Review status: no classification provided. Collection method: in vitro. Allele origin: not applicable. Functional consequence: Effect on ion channel function.
ClinVar note: "not provided" was previously submitted as the classification for the variant. However, the classification appeared to be based only on an observation of functional data so it was converted to no classification on 2025-07-30.

NM_000219.6(KCNE1):c.202T>C (p.Ser68Pro)

Gene: KCNE1 (potassium voltage-gated channel subfamily E regulatory subunit 1; minus strand). Cytogenetic location: 21q22.12.
Variant type: single nucleotide variant.
Coding change: c.202T>C on transcript NM_000219.6 (MANE Select); coding-DNA position 202, T replaced by C.
Protein change: p.Ser68Pro; replaces serine 68 with proline.
Molecular consequence: missense variant.
Genome position (GRCh38, 1-based): chr21:34,449,433, A>G on the plus strand (T>C on the coding strand, the complement: KCNE1 is on the minus strand). VCF-style: chr21-34449433-A-G. GRCh37 (hg19) VCF-style: chr21-35821731-A-G.
Other names: c.202T>C, p.Ser68Pro (NM_001127668.4, NM_001127669.4, NM_001127670.4 and 4 more transcripts); short protein forms S68P.
Identifiers: ClinVar variation 3374317 (VCV003374317.2).